The following is an entry in ClinVar:

NM_002024.6(FMR1):c.434C>T (p.Ala145Val)

Gene: FMR1 (fragile X messenger ribonucleoprotein 1; plus strand). Cytogenetic location: Xq27.3.
Variant type: single nucleotide variant.
Coding change: c.434C>T on transcript NM_002024.6 (MANE Select); coding-DNA position 434, C replaced by T.
Protein change: p.Ala145Val; replaces alanine 145 with valine.
Molecular consequence: missense variant. On other transcripts: non-coding transcript variant (2).
Genome position (GRCh38, 1-based): chrX:147,929,962, C>T. VCF-style: chrX-147929962-C-T. GRCh37 (hg19) VCF-style: chrX-147011481-C-T.
Other names: c.434C>T, p.Ala145Val (NM_001185075.2, NM_001185076.2, NM_001185081.2 and 1 more transcripts); short protein forms A145V.
Identifiers: ClinVar variation 1739923 (VCV001739923.2), dbSNP rs782632872, ClinGen allele CA10536163.

ClinVar aggregate classification (germline): Uncertain significance (1 of 4 stars; one submission).

Conditions:
Inborn genetic diseases. Identifiers: MedGen C0950123, MeSH D030342.

Allele frequency attached by ClinVar (database versions not stated): ExAC 0.00001.
gnomAD v4.1: 13 of 1,192,603 alleles (0.0011%); highest among the groups gnomAD compares: South Asian, 0.0071%; no homozygotes.

Submission:

Ambry Genetics
Classification: Uncertain significance for Inborn genetic diseases. Last evaluated: 2018-01-26. Review status: criteria provided, single submitter. Criteria: Ambry Variant Classification Scheme 2023. Collection method: clinical testing. Allele origin: germline.
Comment: The p.A145V variant (also known as c.434C>T), located in coding exon 6 of the FMR1 gene, results from a C to T substitution at nucleotide position 434. The alanine at codon 145 is replaced by valine, an amino acid with similar properties. This amino acid position is highly conserved in available vertebrate species. In addition, this alteration is predicted to be tolerated by in silico analysis. Since supporting evidence is limited at this time, the clinical significance of this alteration remains unclear.